The following is an entry in ClinVar:

NM_001042492.3(NF1):c.2001+3C>T

Gene: NF1 (neurofibromin 1; plus strand). Cytogenetic location: 17q11.2.
Variant type: single nucleotide variant.
Coding change: c.2001+3C>T on transcript NM_001042492.3 (MANE Select); 3 bases into the intron after coding-DNA position 2001, C replaced by T.
Molecular consequence: intron variant.
Genome position (GRCh38, 1-based): chr17:31,225,253, C>T. VCF-style: chr17-31225253-C-T. GRCh37 (hg19) VCF-style: chr17-29552271-C-T.
Other names: c.2001+3C>T (NM_000267.4).
Identifiers: ClinVar variation 2159328 (VCV002159328.4), dbSNP rs876659863, ClinGen allele CA2580093114.

ClinVar aggregate classification (germline): Uncertain significance (1 of 4 stars; one submission).

Conditions:
Neurofibromatosis, type 1 (NF1). Also called: Neurofibromatosis, type I; VON RECKLINGHAUSEN DISEASE; NEUROFIBROMATOSIS, TYPE I, SOMATIC; Peripheral type neurofibromatosis. Identifiers: Orphanet 636, MedGen C0027831, MONDO:0018975, OMIM 162200. Disease mechanism: loss of function.

Submission:

Labcorp Genetics (formerly Invitae), Labcorp
Classification: Uncertain significance for Neurofibromatosis, type 1. Last evaluated: 2022-07-22. Review status: criteria provided, single submitter. Criteria: Invitae Variant Classification Sherloc (09022015). Collection method: clinical testing. Allele origin: germline.
Comment: This sequence change falls in intron 17 of the NF1 gene. It does not directly change the encoded amino acid sequence of the NF1 protein. It affects a nucleotide within the consensus splice site. In summary, the available evidence is currently insufficient to determine the role of this variant in disease. Therefore, it has been classified as a Variant of Uncertain Significance. Variants that disrupt the consensus splice site are a relatively common cause of aberrant splicing (PMID: 17576681, 9536098). RNA analysis performed to evaluate the impact of this variant on mRNA splicing indicates it does not significantly alter splicing (Invitae). This variant has not been reported in the literature in individuals affected with NF1-related conditions. This variant is not present in population databases (gnomAD no frequency).

Literature cited by the submitters: PubMed 17576681; PubMed 9536098.